The following is an entry in ClinVar:

ClinVar aggregate classification (germline): Uncertain significance. Review status: criteria provided, multiple submitters, no conflicts (2 of 4 stars). 6 submissions from 2 submitters: Uncertain significance (6). Last evaluated 2020-03-18.

Conditions:
Cardiovascular phenotype. Identifiers: MedGen CN230736.
Myopathy, myofibrillar, 9, with early respiratory failure (MFM9). Also called: EDSTROM MYOPATHY; MYOPATHY, PROXIMAL, WITH EARLY RESPIRATORY MUSCLE INVOLVEMENT; Myopathy, distal, with early respiratory failure, autosomal dominant; Hereditary myopathy with early respiratory failure. Identifiers: Orphanet 178464, Orphanet 34521, MedGen C1863599, MONDO:0011362, OMIM 603689.
Dilated cardiomyopathy 1G (CMD1G). Identifiers: Orphanet 154, MedGen C1858763, MONDO:0011400, OMIM 604145.
Early-onset myopathy with fatal cardiomyopathy (CMYO5). Also called: CONGENITAL MYOPATHY 5 WITH CARDIOMYOPATHY; Salih Myopathy. Identifiers: Orphanet 289377, MedGen C2673677, MONDO:0012714, OMIM 611705. Disease mechanism: loss of function.
Autosomal recessive limb-girdle muscular dystrophy type 2J (LGMDR10). Also called: Limb-girdle muscular dystrophy, type 2J; MUSCULAR DYSTROPHY, LIMB-GIRDLE, AUTOSOMAL RECESSIVE 10. Identifiers: Orphanet 140922, MedGen C1837342, MONDO:0012127, OMIM 608807.
Tibial muscular dystrophy (TMD). Also called: Tibial muscular dystrophy, tardive; UDD MYOPATHY; Udd Distal Myopathy – Tibial Muscular Dystrophy. Identifiers: Orphanet 609, MedGen C1838244, MONDO:0010870, OMIM 600334.

Allele frequency attached by ClinVar (database versions not stated): gnomAD 0.00001; gnomAD exomes 0.00001; TOPMed 0.00002.
gnomAD v4.1: 5 of 1,612,816 alleles (0.00031%); highest among the groups gnomAD compares: Admixed American, 0.0033%; no homozygotes.

Submissions (6):

Ambry Genetics
Classification: Uncertain significance for Cardiovascular phenotype. Last evaluated: 2020-03-18. Review status: criteria provided, single submitter. Criteria: Ambry Variant Classification Scheme 2023. Collection method: clinical testing. Allele origin: germline.
Comment: The p.R14306C variant (also known as c.42916C>T), located in coding exon 153 of the TTN gene, results from a C to T substitution at nucleotide position 42916. The arginine at codon 14306 is replaced by cysteine, an amino acid with highly dissimilar properties. This amino acid position is highly conserved in available vertebrate species. In addition, the in silico prediction for this alteration is inconclusive. Since supporting evidence is limited at this time, the clinical significance of this alteration remains unclear.

Illumina Laboratory Services, Illumina
Classification: Uncertain significance for Autosomal recessive limb-girdle muscular dystrophy type 2J. Last evaluated: 2018-01-13. Review status: criteria provided, single submitter. Criteria: ICSL Variant Classification Criteria 13 December 2019. Collection method: clinical testing. Allele origin: germline.

Illumina Laboratory Services, Illumina
Classification: Uncertain significance for Early-onset myopathy with fatal cardiomyopathy. Last evaluated: 2018-01-13. Review status: criteria provided, single submitter. Criteria: ICSL Variant Classification Criteria 13 December 2019. Collection method: clinical testing. Allele origin: germline.

Illumina Laboratory Services, Illumina
Classification: Uncertain significance for Myopathy, myofibrillar, 9, with early respiratory failure. Last evaluated: 2018-01-13. Review status: criteria provided, single submitter. Criteria: ICSL Variant Classification Criteria 13 December 2019. Collection method: clinical testing. Allele origin: germline.

Illumina Laboratory Services, Illumina
Classification: Uncertain significance for Dilated cardiomyopathy 1G. Last evaluated: 2018-01-13. Review status: criteria provided, single submitter. Criteria: ICSL Variant Classification Criteria 13 December 2019. Collection method: clinical testing. Allele origin: germline.

Illumina Laboratory Services, Illumina
Classification: Uncertain significance for Tibial muscular dystrophy. Last evaluated: 2018-01-13. Review status: criteria provided, single submitter. Criteria: ICSL Variant Classification Criteria 13 December 2019. Collection method: clinical testing. Allele origin: germline.

NM_001267550.2(TTN):c.70111C>T (p.Arg23371Cys)

Genes: TTN (titin; minus strand), TTN-AS1 (TTN antisense RNA 1; plus strand), LOC126806422 (BRD4-independent group 4 enhancer GRCh37_chr2:179440205-179441404; plus strand). Cytogenetic location: 2q31.2.
Variant type: single nucleotide variant.
Coding change: c.70111C>T on transcript NM_001267550.2 (MANE Select); coding-DNA position 70111, C replaced by T.
Protein change: p.Arg23371Cys; replaces arginine 23371 with cysteine.
Molecular consequence: missense variant.
Genome position (GRCh38, 1-based): chr2:178,576,021, G>A on the plus strand (C>T on the coding strand, the complement: TTN is on the minus strand). VCF-style: chr2-178576021-G-A. GRCh37 (hg19) VCF-style: chr2-179440748-G-A.
Other names: c.65188C>T, p.Arg21730Cys (NM_001256850.1); c.42916C>T, p.Arg14306Cys (NM_003319.4); c.62407C>T, p.Arg20803Cys (NM_133378.4); c.43291C>T, p.Arg14431Cys (NM_133432.3); c.43492C>T, p.Arg14498Cys (NM_133437.4); short protein forms R14306C, R14431C, R21730C, R23371C, R14498C, R20803C.
Identifiers: ClinVar variation 893047 (VCV000893047.6), dbSNP rs56141309, ClinGen allele CA61003487.